The following is an entry in ClinVar:

ClinVar aggregate classification (germline): Uncertain significance (1 of 4 stars; one submission).

Submission:

Labcorp Genetics (formerly Invitae), Labcorp
Classification: Uncertain significance. Last evaluated: 2023-11-27. Review status: criteria provided, single submitter. Criteria: Invitae Variant Classification Sherloc (09022015). Collection method: clinical testing. Allele origin: germline.
Comment: This variant is a gross deletion of the genomic region encompassing exon(s) 6-16 of the LPIN1 gene. This variant would be expected to be in-frame, preserving the integrity of the reading frame. This variant has not been reported in the literature in individuals affected with LPIN1-related conditions. Experimental studies and prediction algorithms are not available or were not evaluated, and the functional significance of this variant is currently unknown. This variant disrupts a region of the LPIN1 protein in which other variant(s) (p.Ile683Val) have been observed in individuals with LPIN1-related conditions (PMID: 33514355). This suggests that this is a clinically significant region of the protein, and that variants that disrupt it are likely to be disease-causing. In summary, the available evidence is currently insufficient to determine the role of this variant in disease. Therefore, it has been classified as a Variant of Uncertain Significance.

Literature cited by the submitters: PubMed 33514355.

NC_000002.11:g.(?_11919625)_(11945302_?)del

Gene: LPIN1 (lipin 1; plus strand). Cytogenetic location: 2p25.1.
Variant type: Deletion.
Identifiers: ClinVar variation 1348046 (VCV001348046.5).